The following is an entry in ClinVar:

ClinVar aggregate classification (germline): Uncertain significance. Review status: criteria provided, multiple submitters, no conflicts (2 of 4 stars). 2 submissions from 2 submitters: Uncertain significance (2). Last evaluated 2025-10-23.

Conditions:
Hereditary cancer-predisposing syndrome. Also called: Hereditary Cancer Syndrome; Tumor predisposition; Hereditary neoplastic syndrome; Neoplastic Syndromes, Hereditary. Identifiers: Orphanet 140162, MedGen C0027672, MeSH D009386, MONDO:0015356.

Allele frequency attached by ClinVar (database versions not stated): TOPMed 0.00001; gnomAD exomes 0.00002; ExAC 0.00003.
gnomAD v4.1: 3 of 1,596,426 alleles (0.00019%); highest among the groups gnomAD compares: East Asian, 0.0045%; no homozygotes.

Submissions (2):

Labcorp Genetics (formerly Invitae), Labcorp
Classification: Uncertain significance. Last evaluated: 2025-10-23. Review status: criteria provided, single submitter. Criteria: Invitae Variant Classification Sherloc (09022015). Collection method: clinical testing. Allele origin: germline.
Comment: This sequence change replaces alanine, which is neutral and non-polar, with threonine, which is neutral and polar, at codon 1674 of the POLE protein (p.Ala1674Thr). This variant is present in population databases (rs774729856, gnomAD 0.02%). This variant has not been reported in the literature in individuals affected with POLE-related conditions. ClinVar contains an entry for this variant (Variation ID: 646611). Invitae Evidence Modeling of protein sequence and biophysical properties (such as structural, functional, and spatial information, amino acid conservation, physicochemical variation, residue mobility, and thermodynamic stability) indicates that this missense variant is not expected to disrupt POLE protein function with a negative predictive value of 80%. In summary, the available evidence is currently insufficient to determine the role of this variant in disease. Therefore, it has been classified as a Variant of Uncertain Significance.

Ambry Genetics
Classification: Uncertain significance for Hereditary cancer-predisposing syndrome. Last evaluated: 2025-03-10. Review status: criteria provided, single submitter. Criteria: Ambry Variant Classification Scheme 2023. Collection method: clinical testing. Allele origin: germline.
Comment: The p.A1674T variant (also known as c.5020G>A), located in coding exon 38 of the POLE gene, results from a G to A substitution at nucleotide position 5020. The alanine at codon 1674 is replaced by threonine, an amino acid with similar properties. This amino acid position is conserved. In addition, this alteration is predicted to be tolerated by in silico analysis. Based on the available evidence, the clinical significance of this variant remains unclear.

NM_006231.4(POLE):c.5020G>A (p.Ala1674Thr)

Gene: POLE (DNA polymerase epsilon, catalytic subunit; minus strand). Cytogenetic location: 12q24.33.
Variant type: single nucleotide variant.
Coding change: c.5020G>A on transcript NM_006231.4 (MANE Select); coding-DNA position 5020, G replaced by A.
Protein change: p.Ala1674Thr; replaces alanine 1674 with threonine.
Molecular consequence: missense variant.
Genome position (GRCh38, 1-based): chr12:132,642,330, C>T on the plus strand (G>A on the coding strand, the complement: POLE is on the minus strand). VCF-style: chr12-132642330-C-T. GRCh37 (hg19) VCF-style: chr12-133218916-C-T.
Other names: short protein forms A1674T.
Identifiers: ClinVar variation 646611 (VCV000646611.10), dbSNP rs774729856, ClinGen allele CA6892639.
Genomic context (GRCh38, chr12:132,642,330, plus strand): 5'-GGTCAGGGCGGGCTGTAGGGGACAGCCAGAGCAGGTGGTTGTGGCGCTGGAGGTGGCGGG[C>T]AAAGAAGAGGTCGGAGCCGAATGTGGAGATGTCCTCTGGTAGGTTCCCAATGGGAATGTG-3'
Protein context (NP_006222.2, residues 1664-1684): ISTFGSDLFF[Ala1674Thr]RHLQRHNHLL